The following is an entry in ClinVar:

NM_001211.6(BUB1B):c.359G>T (p.Arg120Leu)

Gene: BUB1B (BUB1 mitotic checkpoint serine/threonine kinase B; plus strand). Cytogenetic location: 15q15.1.
Variant type: single nucleotide variant.
Coding change: c.359G>T on transcript NM_001211.6 (MANE Select); coding-DNA position 359, G replaced by T.
Protein change: p.Arg120Leu; replaces arginine 120 with leucine.
Molecular consequence: missense variant.
Genome position (GRCh38, 1-based): chr15:40,170,656, G>T. VCF-style: chr15-40170656-G-T. GRCh37 (hg19) VCF-style: chr15-40462857-G-T.
Other names: short protein forms R120L.
Identifiers: ClinVar variation 1733053 (VCV001733053.2), dbSNP rs1349349252, ClinGen allele CA391679360.

ClinVar aggregate classification (germline): Uncertain significance (1 of 4 stars; one submission).

Conditions:
Inborn genetic diseases. Identifiers: MedGen C0950123, MeSH D030342.

gnomAD v4.1: 3 of 1,613,576 alleles (0.00019%); highest among the groups gnomAD compares: South Asian, 0.0011%; 1 homozygote.

Submission:

Ambry Genetics
Classification: Uncertain significance for Inborn genetic diseases. Last evaluated: 2022-09-25. Review status: criteria provided, single submitter. Criteria: Ambry Variant Classification Scheme 2023. Collection method: clinical testing. Allele origin: germline.
Comment: The p.R120L variant (also known as c.359G>T), located in coding exon 4 of the BUB1B gene, results from a G to T substitution at nucleotide position 359. The arginine at codon 120 is replaced by leucine, an amino acid with dissimilar properties. This amino acid position is conserved. In addition, this alteration is predicted to be deleterious by in silico analysis. Since supporting evidence is limited at this time, the clinical significance of this alteration remains unclear.